The following is an entry in ClinVar:

ClinVar aggregate classification (germline): Uncertain significance. Review status: criteria provided, multiple submitters, no conflicts (2 of 4 stars). 2 submissions from 2 submitters: Uncertain significance (2). Last evaluated 2022-09-06.

Conditions:
Charcot-Marie-Tooth disease, type I (CMT1). Also called: Charcot-Marie-Tooth, Type 1; Charcot-Marie-Tooth disease type 1. Identifiers: Orphanet 65753, MedGen C0751036, MONDO:0019011.

Allele frequency attached by ClinVar (database versions not stated): gnomAD exomes below 0.00001.

Submissions (2):

Labcorp Genetics (formerly Invitae), Labcorp
Classification: Uncertain significance for Charcot-Marie-Tooth disease, type I. Last evaluated: 2022-09-06. Review status: criteria provided, single submitter. Criteria: Invitae Variant Classification Sherloc (09022015). Collection method: clinical testing. Allele origin: germline.
Comment: This sequence change replaces threonine, which is neutral and polar, with isoleucine, which is neutral and non-polar, at codon 153 of the EGR2 protein (p.Thr153Ile). In summary, the available evidence is currently insufficient to determine the role of this variant in disease. Therefore, it has been classified as a Variant of Uncertain Significance. Algorithms developed to predict the effect of missense changes on protein structure and function are either unavailable or do not agree on the potential impact of this missense change (SIFT: "Not Available"; PolyPhen-2: "Benign"; Align-GVGD: "Not Available"). ClinVar contains an entry for this variant (Variation ID: 658954). This variant has not been reported in the literature in individuals affected with EGR2-related conditions. The frequency data for this variant in the population databases is considered unreliable, as metrics indicate poor data quality at this position in the gnomAD database.

Revvity Omics, Revvity
Classification: Uncertain significance. Last evaluated: 2021-11-11. Review status: criteria provided, single submitter. Criteria: ACMG Guidelines, 2015. Collection method: clinical testing. Allele origin: germline.

NM_000399.5(EGR2):c.458C>T (p.Thr153Ile)

Gene: EGR2 (early growth response 2; minus strand). Cytogenetic location: 10q21.3.
Variant type: single nucleotide variant.
Coding change: c.458C>T on transcript NM_000399.5 (MANE Select); coding-DNA position 458, C replaced by T.
Protein change: p.Thr153Ile; replaces threonine 153 with isoleucine.
Molecular consequence: missense variant.
Genome position (GRCh38, 1-based): chr10:62,814,180, G>A on the plus strand (C>T on the coding strand, the complement: EGR2 is on the minus strand). VCF-style: chr10-62814180-G-A. GRCh37 (hg19) VCF-style: chr10-64573940-G-A.
Other names: c.458C>T, p.Thr153Ile (NM_001136177.3, NM_001136178.2); c.308C>T, p.Thr103Ile (NM_001136179.3, NM_001321037.2); short protein forms T153I, T103I.
Identifiers: ClinVar variation 658954 (VCV000658954.11), dbSNP rs1414598345, ClinGen allele CA377030488.